The following is an entry in ClinVar:

ClinVar aggregate classification (germline): Uncertain significance (1 of 4 stars; one submission).

Conditions:
Fanconi anemia (FA). Also called: Fanconi's anemia. Identifiers: Orphanet 84, MedGen C0015625, MeSH D005199, MONDO:0019391.

Submission:

Labcorp Genetics (formerly Invitae), Labcorp
Classification: Uncertain significance for Fanconi anemia. Last evaluated: 2025-12-15. Review status: criteria provided, single submitter. Criteria: Invitae Variant Classification Sherloc (09022015). Collection method: clinical testing. Allele origin: germline.
Comment: This sequence change replaces arginine, which is basic and polar, with cysteine, which is neutral and slightly polar, at codon 779 of the FANCD2 protein (p.Arg779Cys). This variant is present in population databases (no rsID available, gnomAD 0.004%). This variant has not been reported in the literature in individuals affected with FANCD2-related conditions. Invitae Evidence Modeling of protein sequence and biophysical properties (such as structural, functional, and spatial information, amino acid conservation, physicochemical variation, residue mobility, and thermodynamic stability) indicates that this missense variant is expected to disrupt FANCD2 protein function with a positive predictive value of 80%. In summary, the available evidence is currently insufficient to determine the role of this variant in disease. Therefore, it has been classified as a Variant of Uncertain Significance.

NM_001018115.3(FANCD2):c.2335C>T (p.Arg779Cys)

Genes: FANCD2 (FA complementation group D2; plus strand), LOC107303338 (3p25 FANCD2 Alu-mediated recombination region; plus strand). Cytogenetic location: 3p25.3.
Variant type: single nucleotide variant.
Coding change: c.2335C>T on transcript NM_001018115.3 (MANE Select); coding-DNA position 2335, C replaced by T.
Protein change: p.Arg779Cys; replaces arginine 779 with cysteine.
Molecular consequence: missense variant.
Genome position (GRCh38, 1-based): chr3:10,065,929, C>T. VCF-style: chr3-10065929-C-T. GRCh37 (hg19) VCF-style: chr3-10107613-C-T.
Other names: c.2335C>T, p.Arg779Cys (NM_001319984.2, NM_001374254.1, NM_033084.6); c.2224C>T, p.Arg742Cys (NM_001374253.1); short protein forms R742C, R779C.
Identifiers: ClinVar variation 4747602 (VCV004747602.1).